The following is an entry in ClinVar:

NM_001271.4(CHD2):c.2716C>G (p.Gln906Glu)

Gene: CHD2 (chromodomain helicase DNA binding protein 2; plus strand). Cytogenetic location: 15q26.1.
Variant type: single nucleotide variant.
Coding change: c.2716C>G on transcript NM_001271.4 (MANE Select); coding-DNA position 2716, C replaced by G.
Protein change: p.Gln906Glu; replaces glutamine 906 with glutamic acid.
Molecular consequence: missense variant.
Genome position (GRCh38, 1-based): chr15:92,978,372, C>G. VCF-style: chr15-92978372-C-G. GRCh37 (hg19) VCF-style: chr15-93521602-C-G.
Other names: short protein forms Q906E.
Identifiers: ClinVar variation 2414347 (VCV002414347.5), dbSNP rs1476315297, ClinGen allele CA393893956.
Genomic context (GRCh38, chr15:92,978,372, plus strand): 5'-GACTCTGACTGGAACCCCCAGAATGACTTGCAGGCACAAGCCCGAGCGCATAGAATTGGT[C>G]AAAAGAAGCAGGTCAGTATGGAGAGGCTTCTGGAAATTGCTTTAGGGTTGGGGGCCAGGG-3'
Protein context (NP_001262.3, residues 896-916): QAQARAHRIG[Gln906Glu]KKQVNIYRLV

ClinVar aggregate classification (germline): Uncertain significance (1 of 4 stars; one submission).

Conditions:
Developmental and epileptic encephalopathy 94 (DEE94). Also called: Epileptic encephalopathy, childhood-onset; CHD2-Related Neurodevelopmental Disorders. Identifiers: Orphanet 1942, Orphanet 2382, MedGen C3809278, MONDO:0014150, OMIM 615369.

Submission:

Labcorp Genetics (formerly Invitae), Labcorp
Classification: Uncertain significance for Developmental and epileptic encephalopathy 94. Last evaluated: 2022-09-20. Review status: criteria provided, single submitter. Criteria: Invitae Variant Classification Sherloc (09022015). Collection method: clinical testing. Allele origin: germline.
Comment: In summary, the available evidence is currently insufficient to determine the role of this variant in disease. Therefore, it has been classified as a Variant of Uncertain Significance. Algorithms developed to predict the effect of missense changes on protein structure and function (SIFT, PolyPhen-2, Align-GVGD) all suggest that this variant is likely to be disruptive. This variant has not been reported in the literature in individuals affected with CHD2-related conditions. This variant is not present in population databases (gnomAD no frequency). This sequence change replaces glutamine, which is neutral and polar, with glutamic acid, which is acidic and polar, at codon 906 of the CHD2 protein (p.Gln906Glu).